The following is an entry in ClinVar:

NM_153676.4(USH1C):c.1183C>T (p.His395Tyr)

Gene: USH1C (USH1 protein network component harmonin; minus strand). Cytogenetic location: 11p15.1.
Variant type: single nucleotide variant.
Coding change: c.1183C>T on transcript NM_153676.4 (MANE Select); coding-DNA position 1183, C replaced by T.
Protein change: p.His395Tyr; replaces histidine 395 with tyrosine.
Molecular consequence: missense variant. On other transcripts: non-coding transcript variant (1).
Genome position (GRCh38, 1-based): chr11:17,520,897, G>A on the plus strand (C>T on the coding strand, the complement: USH1C is on the minus strand). VCF-style: chr11-17520897-G-A. GRCh37 (hg19) VCF-style: chr11-17542444-G-A.
Other names: c.1183C>T (NM_005709.3); c.1126C>T, p.His376Tyr (NM_001297764.2); c.1183C>T, p.His395Tyr (NM_005709.4); short protein forms H376Y, H395Y.
Identifiers: ClinVar variation 992079 (VCV000992079.6), dbSNP rs769984840, ClinGen allele CA5904698.
Genomic context (GRCh38, chr11:17,520,897, plus strand): 5'-CCTTAGCCTCTCCCCTCGGCTCATGAAACTTACACTTTGGCTTGCGAAGGGGTACTGGGT[G>A]TACCTCAGCAGTGATGGTTTTAGGCAAGAGTAGCTGTTCCTTTGAGCCCCAGTCTTCTTC-3'
Protein context (NP_710142.1, residues 385-405): LLPKTITAEV[His395Tyr]PVPLRKPKSF

ClinVar aggregate classification (germline): Uncertain significance. Review status: criteria provided, multiple submitters, no conflicts (2 of 4 stars). 5 submissions from 5 submitters: Uncertain significance (4). 1 of the submissions does not count toward it. Last evaluated 2025-12-31.

Conditions:
Inborn genetic diseases. Identifiers: MedGen C0950123, MeSH D030342.
Usher syndrome type 1 (USH1). Also called: RETINITIS PIGMENTOSA AND CONGENITAL DEAFNESS. Identifiers: Orphanet 231169, Orphanet 886, MedGen C1568247, MONDO:0010168, OMIM 276900.
Autosomal recessive nonsyndromic hearing loss 18A. Also called: DEAFNESS, AUTOSOMAL RECESSIVE 18; Deafness, autosomal recessive 18A. Identifiers: Orphanet 90636, MedGen C1865870, MONDO:0011192, OMIM 602092.
Usher syndrome type 1C. Also called: USHER SYNDROME, TYPE I, ACADIAN VARIETY. Identifiers: Orphanet 231169, Orphanet 886, MedGen C1848604, MONDO:0010171, OMIM 276904.

Allele frequency attached by ClinVar (database versions not stated): ExAC 0.00001; gnomAD exomes 0.00001 and 0.00002; TOPMed 0.00001.
gnomAD v4.1: 9 of 1,614,166 alleles (0.00056%); highest among the groups gnomAD compares: Admixed American, 0.01%; no homozygotes.

Submissions (5):

Ambry Genetics
Classification: Uncertain significance for Inborn genetic diseases. Last evaluated: 2025-12-31. Review status: criteria provided, single submitter. Criteria: Ambry Variant Classification Scheme 2023. Collection method: clinical testing. Allele origin: germline.

Blueprint Genetics
Classification: Uncertain significance. Last evaluated: 2022-07-27. Review status: criteria provided, single submitter. Criteria: ACMG Guidelines, 2015. Collection method: clinical testing. Allele origin: germline.

Labcorp Genetics (formerly Invitae), Labcorp
Classification: Uncertain significance. Last evaluated: 2021-09-01. Review status: criteria provided, single submitter. Criteria: Invitae Variant Classification Sherloc (09022015). Collection method: clinical testing. Allele origin: germline.
Comment: This sequence change replaces histidine with tyrosine at codon 395 of the USH1C protein (p.His395Tyr). The histidine residue is moderately conserved and there is a moderate physicochemical difference between histidine and tyrosine. This variant is present in population databases (rs769984840, ExAC 0.009%). This variant has not been reported in the literature in individuals affected with USH1C-related conditions. Algorithms developed to predict the effect of missense changes on protein structure and function (SIFT, PolyPhen-2, Align-GVGD) all suggest that this variant is likely to be tolerated. In summary, the available evidence is currently insufficient to determine the role of this variant in disease. Therefore, it has been classified as a Variant of Uncertain Significance.

Fulgent Genetics
Classification: Uncertain significance for Usher syndrome type 1; Usher syndrome type 1C; Autosomal recessive nonsyndromic hearing loss 18A. Last evaluated: 2021-07-12. Review status: criteria provided, single submitter. Criteria: ACMG Guidelines, 2015. Collection method: clinical testing. Allele origin: unknown.

Natera, Inc.
Classification: Uncertain significance for Usher syndrome type 1C. Last evaluated: 2020-04-11. Review status: no assertion criteria provided. Collection method: clinical testing. Allele origin: germline. Not counted in ClinVar's aggregate classification.